The following is an entry in ClinVar:

ClinVar aggregate classification (germline): Uncertain significance (1 of 4 stars; one submission).

Conditions:
Oligodontia-cancer predisposition syndrome. Also called: TOOTH AGENESIS-COLORECTAL CANCER SYNDROME. Identifiers: Orphanet 300576, MedGen C1837750, MONDO:0012075, OMIM 608615. Disease mechanism: loss of function.

Submission:

Labcorp Genetics (formerly Invitae), Labcorp
Classification: Uncertain significance for Oligodontia-cancer predisposition syndrome. Last evaluated: 2022-02-23. Review status: criteria provided, single submitter. Criteria: Invitae Variant Classification Sherloc (09022015). Collection method: clinical testing. Allele origin: germline.
Comment: In summary, the available evidence is currently insufficient to determine the role of this variant in disease. Therefore, it has been classified as a Variant of Uncertain Significance. Algorithms developed to predict the effect of missense changes on protein structure and function are either unavailable or do not agree on the potential impact of this missense change (SIFT: "Tolerated"; PolyPhen-2: "Possibly Damaging"; Align-GVGD: "Class C0"). This variant has not been reported in the literature in individuals affected with AXIN2-related conditions. This variant is not present in population databases (gnomAD no frequency). This sequence change replaces leucine, which is neutral and non-polar, with phenylalanine, which is neutral and non-polar, at codon 6 of the AXIN2 protein (p.Leu6Phe).

NM_004655.4(AXIN2):c.18G>T (p.Leu6Phe)

Gene: AXIN2 (axin 2; minus strand). Cytogenetic location: 17q24.1.
Variant type: single nucleotide variant.
Coding change: c.18G>T on transcript NM_004655.4 (MANE Select); coding-DNA position 18, G replaced by T.
Protein change: p.Leu6Phe; replaces leucine 6 with phenylalanine.
Molecular consequence: missense variant.
Genome position (GRCh38, 1-based): chr17:65,558,603, C>A on the plus strand (G>T on the coding strand, the complement: AXIN2 is on the minus strand). VCF-style: chr17-65558603-C-A. GRCh37 (hg19) VCF-style: chr17-63554721-C-A.
Other names: c.18G>T, p.Leu6Phe (NM_001363813.1); short protein forms L6F.
Identifiers: ClinVar variation 2097136 (VCV002097136.4), dbSNP rs536919193, ClinGen allele CA400682476.
Genomic context (GRCh38, chr17:65,558,603, plus strand): 5'-CACTGGGGGCCGCGGGGCATCCTCACGGAAGCTGCTGCTGGGGTCCGGGAGGCAAGTCAC[C>A]AACATAGCGCTACTCATGGTGAGGGAGCTCTTCCCACTGAGTCTGGGAATTTTTCTTCTT-3'
Protein context (NP_004646.3, residues 1-16): MSSAM[Leu6Phe]VTCLPDPSSS